The following is an entry in ClinVar:

NM_001365536.1(SCN9A):c.3481T>C (p.Trp1161Arg)

Genes: SCN1A-AS1 (SCN1A and SCN9A antisense RNA 1; plus strand), SCN9A (sodium voltage-gated channel alpha subunit 9; minus strand). Cytogenetic location: 2q24.3.
Variant type: single nucleotide variant.
Coding change: c.3481T>C on transcript NM_001365536.1 (MANE Select); coding-DNA position 3481, T replaced by C.
Protein change: p.Trp1161Arg; replaces tryptophan 1161 with arginine.
Molecular consequence: missense variant.
Genome position (GRCh38, 1-based): chr2:166,242,648, A>G on the plus strand (T>C on the coding strand, the complement: SCN9A is on the minus strand). VCF-style: chr2-166242648-A-G. GRCh37 (hg19) VCF-style: chr2-167099158-A-G.
Other names: c.3448T>C, p.Trp1150Arg (NM_002977.4); short protein forms W1161R, W1150R.
Identifiers: ClinVar variation 440255 (VCV000440255.34), dbSNP rs6746030, ClinGen allele CA1944040.

ClinVar aggregate classification (germline): Benign/Likely benign. Review status: criteria provided, multiple submitters, no conflicts (2 of 4 stars). 9 submissions from 7 submitters: Benign (7); Likely benign (1). 1 of the submissions does not count toward it. Last evaluated 2026-02-04.

Conditions:
Primary erythromelalgia. Also called: SCN9A Erythromelalgia (SCN9A-EM); primary erythermalgia. Identifiers: Orphanet 306577, Orphanet 90026, MedGen C0014805, MONDO:0007571, OMIM 133020.
Channelopathy-associated congenital insensitivity to pain, autosomal recessive. Also called: ASYMBOLIA FOR PAIN; CONGENITAL ANALGESIA, AUTOSOMAL RECESSIVE; Insensitivity to pain, channelopathy-associated. Identifiers: Orphanet 88642, Orphanet 970, MedGen C1855739, MONDO:0009459, OMIM 243000.
Paroxysmal extreme pain disorder (PEXPD). Also called: RECTAL PAIN, FAMILIAL; SCN9A Paroxysmal Extreme Pain Disorder (SCN9A-PEPD); PAIN, SUBMANDIBULAR, OCULAR, AND RECTAL, WITH FLUSHING. Identifiers: Orphanet 46348, MedGen C1833661, MONDO:0008179, OMIM 167400.
Generalized epilepsy with febrile seizures plus, type 7 (GEFSP7). Also called: GEFS+, TYPE 7. Identifiers: Orphanet 36387, MedGen C2751778, MONDO:0013470, OMIM 613863.
Neuropathy, hereditary sensory and autonomic, type 2A (HSAN2A). Also called: WNK1-Related HSAN2 (HSAN2A); ACROOSTEOLYSIS, GIACCAI TYPE; ACROOSTEOLYSIS, NEUROGENIC; HSAN IIA; MORVAN DISEASE; NEUROPATHY, CONGENITAL SENSORY. Identifiers: Orphanet 970, MedGen C2752089, MONDO:0024309, OMIM 201300.

Allele frequency attached by ClinVar (database versions not stated): ExAC 0.86926; gnomAD exomes 0.86981 and 0.87965; ESP Exome Variant Server 0.87745; gnomAD 0.87857 and 0.87930; TOPMed 0.88234; 1000 Genomes Project 30x 0.88507; 1000 Genomes Project 0.88718.
gnomAD v4.1: 1,348,778 of 1,548,672 alleles (87%); highest among the groups gnomAD compares: East Asian, 95%; 587,761 homozygotes.

Submissions (9):

Labcorp Genetics (formerly Invitae), Labcorp
Classification: Benign for Neuropathy, hereditary sensory and autonomic, type 2A; Generalized epilepsy with febrile seizures plus, type 7. Last evaluated: 2026-02-04. Review status: criteria provided, single submitter. Criteria: Invitae Variant Classification Sherloc (09022015). Collection method: clinical testing. Allele origin: germline.

ARUP Laboratories, Molecular Genetics and Genomics, ARUP Laboratories
Classification: Benign. Last evaluated: 2025-07-30. Review status: criteria provided, single submitter. Criteria: ARUP Molecular Germline Variant Investigation Process 2024. Collection method: clinical testing. Allele origin: germline.

Blueprint Genetics
Classification: Likely benign. Last evaluated: 2024-11-26. Review status: criteria provided, single submitter. Criteria: ACMG Guidelines, 2015. Collection method: clinical testing. Allele origin: germline.

Unidad de Genómica Garrahan, Hospital de Pediatría Garrahan
Classification: Benign. Last evaluated: 2024-07-15. Review status: criteria provided, single submitter. Criteria: ACMG Guidelines, 2015. Collection method: clinical testing. Allele origin: germline. Affected: no. Observed: 89 variant alleles.
Comment: This variant is classified as Benign based on local population frequency. This variant was detected in 96% of patients studied in a panel designed for Epileptic and Developmental Encephalopathy and Progressive Myoclonus Epilepsy. Number of patients: 89. Only high quality variants are reported.

Genome-Nilou Lab
Classification: Benign for Primary erythromelalgia. Last evaluated: 2021-07-15. Review status: criteria provided, single submitter. Criteria: ACMG Guidelines, 2015. Collection method: clinical testing. Allele origin: germline. Affected: no.

Genome-Nilou Lab
Classification: Benign for Channelopathy-associated congenital insensitivity to pain, autosomal recessive. Last evaluated: 2021-07-15. Review status: criteria provided, single submitter. Criteria: ACMG Guidelines, 2015. Collection method: clinical testing. Allele origin: germline. Affected: no.

Genome-Nilou Lab
Classification: Benign for Paroxysmal extreme pain disorder. Last evaluated: 2021-07-15. Review status: criteria provided, single submitter. Criteria: ACMG Guidelines, 2015. Collection method: clinical testing. Allele origin: germline. Affected: no.

Breakthrough Genomics
Classification: Benign. Review status: criteria provided, single submitter. Criteria: ACMG Guidelines, 2015. Collection method: not provided. Allele origin: germline. Inheritance: Autosomal recessive inheritance. Affected: yes.

Diagnostic Laboratory, Department of Genetics, University Medical Center Groningen
Classification: Benign. Review status: no assertion criteria provided. Collection method: clinical testing. Allele origin: germline. Affected: yes. Study: VKGL Data-share Consensus. Not counted in ClinVar's aggregate classification.